The following is an entry in ClinVar:

NM_001079843.3(CASZ1):c.2045C>G (p.Thr682Ser)

Gene: CASZ1 (castor zinc finger 1; minus strand). Cytogenetic location: 1p36.22.
Variant type: single nucleotide variant.
Coding change: c.2045C>G on transcript NM_001079843.3 (MANE Select); coding-DNA position 2045, C replaced by G.
Protein change: p.Thr682Ser; replaces threonine 682 with serine.
Molecular consequence: missense variant.
Genome position (GRCh38, 1-based): chr1:10,654,012, G>C on the plus strand (C>G on the coding strand, the complement: CASZ1 is on the minus strand). VCF-style: chr1-10654012-G-C. GRCh37 (hg19) VCF-style: chr1-10714069-G-C.
Other names: c.2045C>G, p.Thr682Ser (NM_017766.5); short protein forms T682S.
Identifiers: ClinVar variation 4755651 (VCV004755651.1).
Genomic context (GRCh38, chr1:10,654,012, plus strand): 5'-GCGCCCGAGGAGCGGATGTGCCGGCGCTCATGCTTGCGCTTGTGAGAGGTCATCTGGCTG[G>C]TGGAGGTGAAGGTGAAGCCGCAGCCGGCGCGGATGCAGTGGAAGTGGTTGGTAGCCTTGC-3'
Protein context (NP_001073312.1, residues 672-692): RAGCGFTFTS[Thr682Ser]SQMTSHKRKH

ClinVar aggregate classification (germline): Uncertain significance (1 of 4 stars; one submission).

Submission:

GeneDx
Classification: Uncertain significance. Last evaluated: 2025-08-07. Review status: criteria provided, single submitter. Criteria: GeneDx Variant Classification Process June 2021. Collection method: clinical testing. Allele origin: germline. Affected: yes.
Comment: Not observed at significant frequency in large population cohorts (gnomAD); In silico analysis suggests that this missense variant does not alter protein structure/function; Has not been previously published as pathogenic or benign to our knowledge